The following is an entry in ClinVar:

NM_001164508.2(NEB):c.2783del (p.Pro928fs)

Gene: NEB (nebulin; minus strand). Cytogenetic location: 2q23.3.
Variant type: Deletion.
Coding change: c.2783del on transcript NM_001164508.2 (MANE Select); coding-DNA position 2783, one base deleted (C; older notation c.2783delC).
Protein change: p.Pro928fs; shifts the reading frame from proline 928.
Molecular consequence: frameshift variant.
Genome position (GRCh38, 1-based): chr2:151,684,830, G deleted on the plus strand (C on the coding strand, the reverse complement: NEB is on the minus strand); the first of 6 consecutive G bases (chr2:151,684,830-151,684,835); deleting any one gives the same sequence. VCF-style (leftmost placement, unchanged base first): chr2-151684829-AG-A. GRCh37 (hg19) VCF-style: chr2-152541343-AG-A.
Other names: NM_001164508.2(NEB):c.2783del; p.Pro928fs; c.2783del, p.Pro928fs (NM_001164507.2, NM_001271208.2, NM_004543.5); c.2778delC, p.Pro928Leufs (NM_001271208.1); c.2783del (NM_001271208.1); short protein forms P928fs.
Identifiers: ClinVar variation 1995981 (VCV001995981.6), dbSNP rs751346602, ClinGen allele CA1911122.

ClinVar aggregate classification (germline): Pathogenic/Likely pathogenic. Review status: criteria provided, multiple submitters, no conflicts (2 of 4 stars). 3 submissions from 3 submitters: Pathogenic (1); Likely pathogenic (2). Last evaluated 2025-07-22.

Conditions:
Nemaline myopathy. Also called: Myopathies, Nemaline. Identifiers: Orphanet 607, MedGen C0206157, MONDO:0018958.
Nemaline myopathy 2 (NEM2). Also called: Nemaline myopathy 2, autosomal recessive. Identifiers: MedGen C1850569, MONDO:0009725, OMIM 256030.

Submissions (3):

Natera, Inc.
Classification: Likely pathogenic for Nemaline myopathy type 2. Last evaluated: 2025-07-22. Review status: criteria provided, single submitter. Criteria: Natera Variant Classification Schema (03/2026). Collection method: clinical testing. Allele origin: germline.
Comment: The c.2783del variant in NEB is a frameshift variant predicted to shift the reading frame beginning at codon 928 and leads to a stop codon 29 codons downstream. This variant is expected to result in nonsense mediated decay, truncation, or a dysfunctional protein product. This variant is rare in the general population with a frequency below the threshold expected for the associated phenotype(s). Given the available evidence, this variant is classified as Likely Pathogenic.

Broad Center for Mendelian Genomics, Broad Institute of MIT and Harvard
Classification: Likely pathogenic for Nemaline myopathy. Last evaluated: 2025-03-21. Review status: criteria provided, single submitter. Criteria: ACMG Guidelines, 2015. Collection method: curation. Allele origin: germline. Inheritance: Autosomal recessive inheritance.
Comment: The p.Pro928LeufsTer29 variant in NEB has not been previously reported in the literature in individuals with nemaline myopathy, but has been identified in 0.00009% (1/1179564) of European (non-Finnish) chromosomes by the Genome Aggregation Database (gnomAD; dbSNP ID: rs751346602). Although this variant has been seen in the general population in a heterozygous state, its frequency is low enough to be consistent with a recessive carrier frequency. It is of note that this variant occurs in a homopolymer repeat, which could indicate that it exists as an artifact from sequencing. However, disease-causing variants have been reported in homopolymer regions, so this is not enough to rule out a pathogenic role. This variant has also been reported in ClinVar (Variation ID: 1995981) and has been interpreted as pathogenic by Invitae. This variant is predicted to cause a frameshift, which alters the protein‚Äôs amino acid sequence beginning at position 928 and leads to a premature termination codon 29 amino acids downstream. This alteration is then predicted to lead to a truncated or absent protein. Loss of function of the NEB gene is an established disease mechanism in autosomal recessive nemaline myopathy. In summary, although additional studies are required to fully establish its clinical significance, this variant is likely pathogenic for autosomal recessive nemaline myopathy. ACMG/AMP Criteria applied: PVS1, PM2_supporting (Richards 2015).

Labcorp Genetics (formerly Invitae), Labcorp
Classification: Pathogenic for Nemaline myopathy 2. Last evaluated: 2022-05-25. Review status: criteria provided, single submitter. Criteria: Invitae Variant Classification Sherloc (09022015). Collection method: clinical testing. Allele origin: germline.
Comment: For these reasons, this variant has been classified as Pathogenic. This variant has not been reported in the literature in individuals affected with NEB-related conditions. The frequency data for this variant in the population databases is considered unreliable, as metrics indicate poor data quality at this position in the gnomAD database. This sequence change creates a premature translational stop signal (p.Pro928Leufs*29) in the NEB gene. It is expected to result in an absent or disrupted protein product. Loss-of-function variants in NEB are known to be pathogenic (PMID: 25205138).

Literature cited by the submitters: PubMed 25205138 (cited by Labcorp Genetics (formerly Invitae), Labcorp).